The following is an entry in ClinVar:

ClinVar aggregate classification (germline): Conflicting classifications of pathogenicity. Review status: criteria provided, conflicting classifications (1 of 4 stars). 2 submissions from 2 submitters: Pathogenic (1); Uncertain significance (1). Last evaluated 2025-07-26.

Conditions:
Dilated cardiomyopathy 1G (CMD1G). Identifiers: Orphanet 154, MedGen C1858763, MONDO:0011400, OMIM 604145.
Autosomal recessive limb-girdle muscular dystrophy type 2J (LGMDR10). Also called: Limb-girdle muscular dystrophy, type 2J; MUSCULAR DYSTROPHY, LIMB-GIRDLE, AUTOSOMAL RECESSIVE 10. Identifiers: Orphanet 140922, MedGen C1837342, MONDO:0012127, OMIM 608807.

Submissions (2):

Mayo Clinic Laboratories, Mayo Clinic
Classification: Uncertain significance. Last evaluated: 2025-07-26. Review status: criteria provided, single submitter. Criteria: ACMG Guidelines, 2015. Collection method: clinical testing. Allele origin: germline. Observed: 1 variant allele.
Comment: PM2_supporting

Labcorp Genetics (formerly Invitae), Labcorp
Classification: Pathogenic for Dilated cardiomyopathy 1G; Autosomal recessive limb-girdle muscular dystrophy type 2J. Last evaluated: 2025-07-21. Review status: criteria provided, single submitter. Criteria: Invitae Variant Classification Sherloc (09022015). Collection method: clinical testing. Allele origin: germline.
Comment: This sequence change creates a premature translational stop signal (p.Thr10096Asnfs*3) in the TTN gene. While this is not anticipated to result in nonsense mediated decay, it is expected to create a truncated TTN protein. This variant is not present in population databases (gnomAD no frequency). This premature translational stop signal has been observed in individual(s) with clinical features of limb-girdle muscular dystrophy (internal data). In at least one individual the data is consistent with being in trans (on the opposite chromosome) from a pathogenic variant. This variant is located in the I band of TTN (PMID: 25589632). Truncating variants in this region have been reported in individuals affected with autosomal recessive centronuclear myopathy (PMID: 23975875, internal data). Truncating variants in this region have also been identified in individuals affected with autosomal dominant dilated cardiomyopathy and/or cardio-related conditions (PMID: 27869827, 32964742, internal data). For these reasons, this variant has been classified as Pathogenic.

Literature cited by the submitters: PubMed 25589632 (cited by Labcorp Genetics (formerly Invitae), Labcorp); PubMed 23975875 (cited by Labcorp Genetics (formerly Invitae), Labcorp); PubMed 27869827 (cited by Labcorp Genetics (formerly Invitae), Labcorp); PubMed 32964742 (cited by Labcorp Genetics (formerly Invitae), Labcorp).

NM_001267550.2(TTN):c.30286dup (p.Thr10096fs)

Gene: TTN (titin; minus strand). Cytogenetic location: 2q31.2.
Variant type: Duplication.
Coding change: c.30286dup on transcript NM_001267550.2 (MANE Select); coding-DNA position 30286, one base duplicated (A; older notation c.30286dupA).
Protein change: p.Thr10096fs; shifts the reading frame from threonine 10096.
Molecular consequence: frameshift variant. On other transcripts: intron variant (3).
Genome position (GRCh38, 1-based): chr2:178,702,601, T duplicated on the plus strand (A on the coding strand, the reverse complement: TTN is on the minus strand). VCF-style (leftmost placement, unchanged base first): chr2-178702600-G-GT. GRCh37 (hg19) VCF-style: chr2-179567327-G-GT.
Other names: p.Thr8852Asnfs*3; c.29335dup, p.Thr9779fs (NM_001256850.1); c.26554dup, p.Thr8852fs (NM_133378.4); c.13282+35481dup (NM_003319.4); c.13858+35481dup (NM_133437.4); c.13657+35481dup (NM_133432.3); short protein forms T8852fs, T9779fs, T10096fs.
Identifiers: ClinVar variation 4540747 (VCV004540747.2).